The following is an entry in ClinVar:

NM_144670.6(A2ML1):c.257C>T (p.Pro86Leu)

Genes: A2ML1 (alpha-2-macroglobulin like 1; plus strand), A2ML1-AS1 (A2ML1 antisense RNA 1; minus strand). Cytogenetic location: 12p13.31.
Variant type: single nucleotide variant.
Coding change: c.257C>T on transcript NM_144670.6 (MANE Select); coding-DNA position 257, C replaced by T.
Protein change: p.Pro86Leu; replaces proline 86 with leucine.
Molecular consequence: missense variant.
Genome position (GRCh38, 1-based): chr12:8,823,730, C>T. VCF-style: chr12-8823730-C-T. GRCh37 (hg19) VCF-style: chr12-8976326-C-T.
Other names: short protein forms P86L.
Identifiers: ClinVar variation 1793352 (VCV001793352.5), dbSNP rs778607898, ClinGen allele CA6435221.

ClinVar aggregate classification (germline): Uncertain significance. Review status: criteria provided, multiple submitters, no conflicts (2 of 4 stars). 2 submissions from 2 submitters: Uncertain significance (2). Last evaluated 2023-12-11.

Allele frequency attached by ClinVar (database versions not stated): gnomAD exomes below 0.00001; ExAC 0.00001; gnomAD 0.00001; TOPMed 0.00001.
gnomAD v4.1: 5 of 1,613,720 alleles (0.00031%); highest among the groups gnomAD compares: Non-Finnish European, 0.00042%; no homozygotes.

Submissions (2):

Ambry Genetics
Classification: Uncertain significance. Last evaluated: 2023-12-11. Review status: criteria provided, single submitter. Criteria: Ambry Variant Classification Scheme 2023. Collection method: clinical testing. Allele origin: germline.
Comment: The p.P86L variant (also known as c.257C>T), located in coding exon 3 of the A2ML1 gene, results from a C to T substitution at nucleotide position 257. The proline at codon 86 is replaced by leucine, an amino acid with similar properties. This amino acid position is conserved. In addition, this alteration is predicted to be tolerated by in silico analysis. Since supporting evidence is limited at this time, the clinical significance of this alteration remains unclear.

Labcorp Genetics (formerly Invitae), Labcorp
Classification: Uncertain significance. Last evaluated: 2023-08-14. Review status: criteria provided, single submitter. Criteria: Invitae Variant Classification Sherloc (09022015). Collection method: clinical testing. Allele origin: germline.
Comment: In summary, the available evidence is currently insufficient to determine the role of this variant in disease. Therefore, it has been classified as a Variant of Uncertain Significance. An algorithm developed to predict the effect of missense changes on protein structure and function (PolyPhen-2) suggests that this variant is likely to be tolerated. ClinVar contains an entry for this variant (Variation ID: 1793352). This variant has not been reported in the literature in individuals affected with A2ML1-related conditions. This variant is present in population databases (rs778607898, gnomAD 0.0009%). This sequence change replaces proline, which is neutral and non-polar, with leucine, which is neutral and non-polar, at codon 86 of the A2ML1 protein (p.Pro86Leu).